The following is an entry in ClinVar:

NM_004385.5(VCAN):c.4604A>G (p.Glu1535Gly)

Genes: VCAN (versican; plus strand), VCAN-AS1 (VCAN antisense RNA 1; minus strand). Cytogenetic location: 5q14.3.
Variant type: single nucleotide variant.
Coding change: c.4604A>G on transcript NM_004385.5 (MANE Select); coding-DNA position 4604, A replaced by G.
Protein change: p.Glu1535Gly; replaces glutamic acid 1535 with glycine.
Molecular consequence: missense variant. On other transcripts: intron variant (2).
Genome position (GRCh38, 1-based): chr5:83,537,607, A>G. VCF-style: chr5-83537607-A-G. GRCh37 (hg19) VCF-style: chr5-82833426-A-G.
Other names: c.1643A>G, p.Glu548Gly (NM_001164097.2); c.4004-7930A>G (NM_001164098.2); c.1043-7930A>G (NM_001126336.3); short protein forms E1535G, E548G.
Identifiers: ClinVar variation 167821 (VCV000167821.46), dbSNP rs61749614, ClinGen allele CA180480.

ClinVar aggregate classification (germline): Benign/Likely benign. Review status: criteria provided, multiple submitters, no conflicts (2 of 4 stars). 8 submissions from 8 submitters: Benign (3); Likely benign (2). 3 of the submissions do not count toward it. Last evaluated 2026-02-01.

Conditions:
Vitreoretinopathy. Also called: Vitreoretinal degeneration. Identifiers: MedGen C0344290, MONDO:0020248, HP:0007773.

Allele frequency attached by ClinVar (database versions not stated): TOPMed 0.00349; ESP Exome Variant Server 0.00415; gnomAD exomes 0.00280 and 0.00406; gnomAD 0.00315 and 0.00287; 1000 Genomes Project 0.00180; 1000 Genomes Project 30x 0.00187; ExAC 0.00302.
gnomAD v4.1: 6,366 of 1,613,816 alleles (0.39%); highest among the groups gnomAD compares: Middle Eastern, 0.73%; 21 homozygotes.

Submissions (8):

CeGaT Center for Human Genetics Tuebingen
Classification: Likely benign. Last evaluated: 2026-02-01. Review status: criteria provided, single submitter. Criteria: CeGaT Center For Human Genetics Tuebingen Variant Classification Criteria Version 2. Collection method: clinical testing. Allele origin: germline. Affected: yes. Observed: 2 variant alleles.
Comment: VCAN: BP4, BS2

Labcorp Genetics (formerly Invitae), Labcorp
Classification: Benign. Last evaluated: 2026-01-22. Review status: criteria provided, single submitter. Criteria: Invitae Variant Classification Sherloc (09022015). Collection method: clinical testing. Allele origin: germline.

Blueprint Genetics
Classification: Likely benign. Last evaluated: 2024-11-22. Review status: criteria provided, single submitter. Criteria: ACMG Guidelines, 2015. Collection method: clinical testing. Allele origin: germline.

Illumina Laboratory Services, Illumina
Classification: Benign for Vitreoretinopathy. Last evaluated: 2018-01-12. Review status: criteria provided, single submitter. Criteria: ICSL Variant Classification Criteria 13 December 2019. Collection method: clinical testing. Allele origin: germline.
Comment: This variant was observed in the ICSL laboratory as part of a predisposition screen in an ostensibly healthy population. It had not been previously curated by ICSL or reported in the Human Gene Mutation Database (HGMD: prior to June 1st, 2018), and was therefore a candidate for classification through an automated scoring system. Utilizing variant allele frequency, disease prevalence and penetrance estimates, and inheritance mode, an automated score was calculated to assess if this variant is too frequent to cause the disease. Based on the score and internal cut-off values, a variant classified as benign is not then subjected to further curation. The score for this variant resulted in a classification of benign for this disease.

Eurofins Ntd Llc (ga)
Classification: Benign. Last evaluated: 2014-03-17. Review status: criteria provided, single submitter. Criteria: EGL Classification Definitions 2015. Collection method: clinical testing. Allele origin: germline. Observed: 1 variant allele, 1 heterozygote.

Clinical Genetics DNA and cytogenetics Diagnostics Lab, Erasmus MC, Erasmus Medical Center
Classification: Likely benign. Review status: no assertion criteria provided. Collection method: clinical testing. Allele origin: germline. Affected: yes. Study: VKGL Data-share Consensus. Not counted in ClinVar's aggregate classification.

Diagnostic Laboratory, Department of Genetics, University Medical Center Groningen
Classification: Likely benign. Review status: no assertion criteria provided. Collection method: clinical testing. Allele origin: germline. Affected: yes. Study: VKGL Data-share Consensus. Not counted in ClinVar's aggregate classification.

Genome Diagnostics Laboratory, Amsterdam University Medical Center
Classification: Likely benign. Review status: no assertion criteria provided. Collection method: clinical testing. Allele origin: germline. Affected: yes. Study: VKGL Data-share Consensus. Not counted in ClinVar's aggregate classification.